The following is an entry in ClinVar:

ClinVar aggregate classification (germline): Likely benign (0 of 4 stars; one submission).

Conditions:
HLA-B-related disorder. Also called: HLA-B-related condition.

Allele frequency attached by ClinVar (database versions not stated): ExAC 0.03244; 1000 Genomes Project 0.06589.

Submission:

PreventionGenetics, part of Exact Sciences
Classification: Likely benign for HLA-B-related condition. Last evaluated: 2020-12-17. Review status: no assertion criteria provided. Collection method: clinical testing. Allele origin: germline.
Comment: This variant is classified as likely benign based on ACMG/AMP sequence variant interpretation guidelines (Richards et al. 2015 PMID: 25741868, with internal and published modifications).

NM_005514.8(HLA-B):c.314del (p.Leu105fs)

Gene: HLA-B (major histocompatibility complex, class I, B; minus strand). Cytogenetic location: 6p21.33.
Variant type: Deletion.
Coding change: c.314del on transcript NM_005514.8 (MANE Select); coding-DNA position 314, one base deleted (T; older notation c.314delT).
Protein change: p.Leu105fs; shifts the reading frame from leucine 105.
Molecular consequence: frameshift variant.
Genome position (GRCh38, 1-based): chr6:31,356,717, A deleted on the plus strand (T on the coding strand, the reverse complement: HLA-B is on the minus strand). VCF-style (leftmost placement, unchanged base first): chr6-31356716-CA-C. GRCh37 (hg19) VCF-style: chr6-31324493-CA-C.
Other names: short protein forms L105fs.
Identifiers: ClinVar variation 3056409 (VCV003056409.2), dbSNP rs576010607, ClinGen allele CA3711721.
Genomic context (GRCh38, chr6:31,356,716, plus strand): 5'-CGTGACCTGCGCCCCGGGCCGGGGTCACTCACCGGCCTCGCTCTGGTTGTAGTAGCCGCG[CA>C]GGTTCCGCAGGCTCTCTCGGTCAGTCTGTGCCTGGGCCTTGTAGATCTGTGTGTTCCGGT-3'